The following is an entry in ClinVar:

ClinVar aggregate classification (germline): Uncertain significance (1 of 4 stars; one submission).

Conditions:
Hereditary sensory and autonomic neuropathy type 7. Also called: Neuropathy, hereditary sensory and autonomic, type VII; HSAN VII. Identifiers: Orphanet 391397, MedGen C3809882, MONDO:0014244, OMIM 615548.
Familial episodic pain syndrome with predominantly lower limb involvement. Also called: Episodic pain syndrome, familial, 3. Identifiers: Orphanet 391384, Orphanet 391392, MedGen C3809899, MONDO:0014247, OMIM 615552.

Allele frequency attached by ClinVar (database versions not stated): gnomAD exomes below 0.00001; gnomAD 0.00001; TOPMed 0.00002.
gnomAD v4.1: 7 of 1,609,146 alleles (0.00044%); highest among the groups gnomAD compares: African/African-American, 0.0013%; no homozygotes.

Submission:

Labcorp Genetics (formerly Invitae), Labcorp
Classification: Uncertain significance for Familial episodic pain syndrome with predominantly lower limb involvement; Hereditary sensory and autonomic neuropathy type 7. Last evaluated: 2022-04-11. Review status: criteria provided, single submitter. Criteria: Invitae Variant Classification Sherloc (09022015). Collection method: clinical testing. Allele origin: germline.
Comment: ClinVar contains an entry for this variant (Variation ID: 845416). In summary, the available evidence is currently insufficient to determine the role of this variant in disease. Therefore, it has been classified as a Variant of Uncertain Significance. Algorithms developed to predict the effect of missense changes on protein structure and function output the following: SIFT: "Tolerated"; PolyPhen-2: "Benign"; Align-GVGD: "Class C0". The asparagine amino acid residue is found in multiple mammalian species, which suggests that this missense change does not adversely affect protein function. This variant has not been reported in the literature in individuals affected with SCN11A-related conditions. This variant is not present in population databases (gnomAD no frequency). This sequence change replaces aspartic acid, which is acidic and polar, with asparagine, which is neutral and polar, at codon 980 of the SCN11A protein (p.Asp980Asn).

NM_001349253.2(SCN11A):c.2938G>A (p.Asp980Asn)

Gene: SCN11A (sodium voltage-gated channel alpha subunit 11; minus strand). Cytogenetic location: 3p22.2.
Variant type: single nucleotide variant.
Coding change: c.2938G>A on transcript NM_001349253.2 (MANE Select); coding-DNA position 2938, G replaced by A.
Protein change: p.Asp980Asn; replaces aspartic acid 980 with asparagine.
Molecular consequence: missense variant.
Genome position (GRCh38, 1-based): chr3:38,886,136, C>T on the plus strand (G>A on the coding strand, the complement: SCN11A is on the minus strand). VCF-style: chr3-38886136-C-T. GRCh37 (hg19) VCF-style: chr3-38927627-C-T.
Other names: c.2938G>A, p.Asp980Asn (NM_014139.3); short protein forms D980N.
Identifiers: ClinVar variation 845416 (VCV000845416.6), dbSNP rs1403716541, ClinGen allele CA352174036.